The following is an entry in ClinVar:

NM_032737.4(LMNB2):c.855+11C>A

Genes: LMNB2 (lamin B2; minus strand), MIR7108 (microRNA 7108; minus strand). Cytogenetic location: 19p13.3.
Variant type: single nucleotide variant.
Coding change: c.855+11C>A on transcript NM_032737.4 (MANE Select); 11 bases into the intron after coding-DNA position 855, C replaced by A.
Molecular consequence: intron variant. On other transcripts: non-coding transcript variant (1).
Genome position (GRCh38, 1-based): chr19:2,434,990, G>T on the plus strand (C>A on the coding strand, the complement: LMNB2 is on the minus strand). VCF-style: chr19-2434990-G-T. GRCh37 (hg19) VCF-style: chr19-2434988-G-T.
Identifiers: ClinVar variation 3339887 (VCV003339887.1).

ClinVar aggregate classification (germline): Likely benign (1 of 4 stars; one submission).

gnomAD v4.1: 2 of 1,601,594 alleles (0.00012%); highest among the groups gnomAD compares: South Asian, 0.0011%; no homozygotes.

Submission:

Women's Health and Genetics/Laboratory Corporation of America, LabCorp
Classification: Likely benign. Last evaluated: 2024-06-21. Review status: criteria provided, single submitter. Criteria: LabCorp Variant Classification Summary - May 2015. Collection method: clinical testing. Allele origin: germline.
Comment: Variant summary: LMNB2 c.855+11C>A alters a non-conserved nucleotide located at a position not widely known to affect splicing. Consensus agreement among computation tools predict no significant impact on normal splicing. However, these predictions have yet to be confirmed by functional studies. The variant allele was found at a frequency of 4.4e-06 in 229262 control chromosomes. The available data on variant occurrences in the general population are insufficient to allow any conclusion about variant significance. To our knowledge, no occurrence of c.855+11C>A in individuals affected with LMNB2-Related Disorders and no experimental evidence demonstrating its impact on protein function have been reported. No submitters have cited clinical-significance assessments for this variant to ClinVar. Based on the evidence outlined above, the variant was classified as likely benign.